The following is an entry in ClinVar:

ClinVar aggregate classification (germline): Likely pathogenic (1 of 4 stars; one submission).

Conditions:
Methylcobalamin deficiency type cblE (HMAE). Also called: HOMOCYSTINURIA-MEGALOBLASTIC ANEMIA, cblE TYPE; HOMOCYSTINURIA-MEGALOBLASTIC ANEMIA, cblE COMPLEMENTATION TYPE; VITAMIN B12-RESPONSIVE HOMOCYSTINURIA, cblE TYPE. Identifiers: Orphanet 2169, Orphanet 622, MedGen C1856057, MONDO:0009354, OMIM 236270.

Submission:

Natera, Inc.
Classification: Likely pathogenic for CblE complementation type homocystinuria-megaloblastic anemia due to defect in cobalamin metabolism. Last evaluated: 2024-11-14. Review status: criteria provided, single submitter. Criteria: Natera Variant Classification Schema (03/2026). Collection method: clinical testing. Allele origin: germline.
Comment: The c.547G>T variant in MTRR is a nonsense variant predicted to introduce a stop codon at amino acid 183. This variant is expected to result in nonsense mediated decay, truncation, or a dysfunctional protein product. This variant is rare in the general population with a frequency below the threshold expected for the associated phenotype(s). Given the available evidence, this variant is classified as Likely Pathogenic.

NM_002454.3(MTRR):c.547G>T (p.Glu183Ter)

Gene: MTRR (5-methyltetrahydrofolate-homocysteine methyltransferase reductase; plus strand). Cytogenetic location: 5p15.31.
Variant type: single nucleotide variant.
Coding change: c.547G>T on transcript NM_002454.3 (MANE Select); coding-DNA position 547, G replaced by T.
Protein change: p.Glu183Ter; replaces glutamic acid 183 with a stop codon.
Molecular consequence: nonsense. On other transcripts: non-coding transcript variant (14).
Genome position (GRCh38, 1-based): chr5:7,878,089, G>T. VCF-style: chr5-7878089-G-T. GRCh37 (hg19) VCF-style: chr5-7878202-G-T.
Other names: c.547G>T, p.Glu183Ter (NM_001364440.2, NM_001364441.2, NM_001364442.2 and 1 more transcripts); short protein forms E183*.
Identifiers: ClinVar variation 4815061 (VCV004815061.1).